The following is an entry in ClinVar:

NM_031935.3(HMCN1):c.9131G>A (p.Ser3044Asn)

Gene: HMCN1 (hemicentin 1; plus strand). Cytogenetic location: 1q31.1.
Variant type: single nucleotide variant.
Coding change: c.9131G>A on transcript NM_031935.3 (MANE Select); coding-DNA position 9131, G replaced by A.
Protein change: p.Ser3044Asn; replaces serine 3044 with asparagine.
Molecular consequence: missense variant.
Genome position (GRCh38, 1-based): chr1:186,087,301, G>A. VCF-style: chr1-186087301-G-A. GRCh37 (hg19) VCF-style: chr1-186056433-G-A.
Other names: short protein forms S3044N.
Identifiers: ClinVar variation 2113355 (VCV002113355.4), dbSNP rs1558211572, ClinGen allele CA343918790.

ClinVar aggregate classification (germline): Uncertain significance (1 of 4 stars; one submission).

Submission:

Labcorp Genetics (formerly Invitae), Labcorp
Classification: Uncertain significance. Last evaluated: 2022-10-05. Review status: criteria provided, single submitter. Criteria: Invitae Variant Classification Sherloc (09022015). Collection method: clinical testing. Allele origin: germline.
Comment: In summary, the available evidence is currently insufficient to determine the role of this variant in disease. Therefore, it has been classified as a Variant of Uncertain Significance. Algorithms developed to predict the effect of missense changes on protein structure and function are either unavailable or do not agree on the potential impact of this missense change (SIFT: "Deleterious"; PolyPhen-2: "Benign"; Align-GVGD: "Class C0"). This variant has not been reported in the literature in individuals affected with HMCN1-related conditions. This variant is not present in population databases (gnomAD no frequency). This sequence change replaces serine, which is neutral and polar, with asparagine, which is neutral and polar, at codon 3044 of the HMCN1 protein (p.Ser3044Asn).